The following is an entry in ClinVar:

NM_032242.4(PLXNA1):c.3400C>G (p.Arg1134Gly)

Gene: PLXNA1 (plexin A1; plus strand). Cytogenetic location: 3q21.3.
Variant type: single nucleotide variant.
Coding change: c.3400C>G on transcript NM_032242.4 (MANE Select); coding-DNA position 3400, C replaced by G.
Protein change: p.Arg1134Gly; replaces arginine 1134 with glycine.
Molecular consequence: missense variant.
Genome position (GRCh38, 1-based): chr3:127,017,548, C>G. VCF-style: chr3-127017548-C-G. GRCh37 (hg19) VCF-style: chr3-126736391-C-G.
Other names: short protein forms R1134G.
Identifiers: ClinVar variation 4977387 (VCV004977387.1).
Genomic context (GRCh38, chr3:127,017,548, plus strand): 5'-CGCAGCCCACCAGAGCTGGGGGAGCGGCCGGATGAGCTGGGCTTCGTCATGGACAACGTG[C>G]GCTCCCTGCTTGTGCTCAACTCCACCTCCTTCCTCTACTACCCTGACCCCGTACTGGAGC-3'
Protein context (NP_115618.3, residues 1124-1144): DELGFVMDNV[Arg1134Gly]SLLVLNSTSF

ClinVar aggregate classification (germline): Uncertain significance (1 of 4 stars; one submission).

Conditions:
PLXNA1-related disorder. Also called: PLXNA1-related condition.

gnomAD v4.1: 33 of 1,613,596 alleles (0.002%); highest among the groups gnomAD compares: South Asian, 0.0044%; no homozygotes.

Submission:

PreventionGenetics, part of Exact Sciences
Classification: Uncertain significance for PLXNA1-related condition. Last evaluated: 2025-07-23. Review status: criteria provided, single submitter. Criteria: ACMG Guidelines, 2015. Collection method: clinical testing. Allele origin: germline.
Comment: The PLXNA1 c.3400C>G variant is predicted to result in the amino acid substitution p.Arg1134Gly. To our knowledge, this variant has not been reported in the literature. This variant is reported in 0.0033% of alleles in individuals of South Asian descent in gnomAD. A different variant affecting the same amino acid position, c.3401G>A (p.Arg1134His), has been reported in two individuals with isolated hypogonadotropic hypogonadism (Men et al. 2021. PubMed ID: 34636164). At this time, the clinical significance of this variant is uncertain due to the absence of conclusive functional and genetic evidence.